The following is an entry in ClinVar:

NM_016148.5(SHANK1):c.2678C>T (p.Ala893Val)

Gene: SHANK1 (SH3 and multiple ankyrin repeat domains 1; minus strand). Cytogenetic location: 19q13.33.
Variant type: single nucleotide variant.
Coding change: c.2678C>T on transcript NM_016148.5 (MANE Select); coding-DNA position 2678, C replaced by T.
Protein change: p.Ala893Val; replaces alanine 893 with valine.
Molecular consequence: missense variant.
Genome position (GRCh38, 1-based): chr19:50,669,282, G>A on the plus strand (C>T on the coding strand, the complement: SHANK1 is on the minus strand). VCF-style: chr19-50669282-G-A. GRCh37 (hg19) VCF-style: chr19-51172539-G-A.
Other names: short protein forms A893V.
Identifiers: ClinVar variation 1878969 (VCV001878969.4), dbSNP rs758530068, ClinGen allele CA9601370.

ClinVar aggregate classification (germline): Uncertain significance. Review status: criteria provided, multiple submitters, no conflicts (2 of 4 stars). 2 submissions from 2 submitters: Uncertain significance (2). Last evaluated 2022-07-12.

Conditions:
Inborn genetic diseases. Identifiers: MedGen C0950123, MeSH D030342.

Allele frequency attached by ClinVar (database versions not stated): TOPMed below 0.00001; ExAC 0.00002; gnomAD exomes 0.00002.

Submissions (2):

GeneDx
Classification: Uncertain significance. Last evaluated: 2022-07-12. Review status: criteria provided, single submitter. Criteria: GeneDx Variant Classification Process June 2021. Collection method: clinical testing. Allele origin: germline. Affected: yes.
Comment: In silico analysis supports that this missense variant does not alter protein structure/function; Has not been previously published as pathogenic or benign to our knowledge

Ambry Genetics
Classification: Uncertain significance for Inborn genetic diseases. Last evaluated: 2022-05-25. Review status: criteria provided, single submitter. Criteria: Ambry Variant Classification Scheme 2023. Collection method: clinical testing. Allele origin: germline.